The following is an entry in ClinVar:

ClinVar aggregate classification (germline): Benign. Review status: criteria provided, single submitter (1 of 4 stars). 2 submissions from 1 submitter: Benign (2). Last evaluated 2018-01-12.

Conditions:
Tuberous sclerosis 1 (TSC1). Identifiers: Orphanet 805, MedGen C1854465, MONDO:0008612, OMIM 191100.
Isolated focal cortical dysplasia type II (FCORD2). Also called: CORTICAL DYSPLASIA OF TAYLOR; Focal cortical dysplasia type II. Identifiers: Orphanet 268994, MedGen C1846385, MONDO:0011818, OMIM 607341, HP:0032051.

Allele frequency attached by ClinVar (database versions not stated): gnomAD exomes 0.00012; 1000 Genomes Project 0.00040; gnomAD 0.00040 and 0.00041; TOPMed 0.00040; 1000 Genomes Project 30x 0.00062.
gnomAD v4.1: 71 of 233,362 alleles (0.03%); highest among the groups gnomAD compares: African/African-American, 0.13%; no homozygotes.

Submissions (2):

Illumina Laboratory Services, Illumina
Classification: Benign for Tuberous sclerosis 1. Last evaluated: 2018-01-12. Review status: criteria provided, single submitter. Criteria: ICSL Variant Classification Criteria 13 December 2019. Collection method: clinical testing. Allele origin: germline.
Comment: This variant was observed in the ICSL laboratory as part of a predisposition screen in an ostensibly healthy population. It had not been previously curated by ICSL or reported in the Human Gene Mutation Database (HGMD: prior to June 1st, 2018), and was therefore a candidate for classification through an automated scoring system. Utilizing variant allele frequency, disease prevalence and penetrance estimates, and inheritance mode, an automated score was calculated to assess if this variant is too frequent to cause the disease. Based on the score and internal cut-off values, a variant classified as benign is not then subjected to further curation. The score for this variant resulted in a classification of benign for this disease.

Illumina Laboratory Services, Illumina
Classification: Benign for Isolated focal cortical dysplasia type II. Last evaluated: 2018-01-12. Review status: criteria provided, single submitter. Criteria: ICSL Variant Classification Criteria 13 December 2019. Collection method: clinical testing. Allele origin: germline.
Comment: the same text as in the submission from Illumina Laboratory Services, Illumina above.

NM_000368.5(TSC1):c.*3538A>G

Gene: TSC1 (TSC complex subunit 1; minus strand). Cytogenetic location: 9q34.13.
Variant type: single nucleotide variant.
Coding change: c.*3538A>G on transcript NM_000368.5 (MANE Select); 3538 bases downstream of the stop codon, A replaced by G.
Molecular consequence: 3 prime UTR variant.
Genome position (GRCh38, 1-based): chr9:132,892,697, T>C on the plus strand (A>G on the coding strand, the complement: TSC1 is on the minus strand). VCF-style: chr9-132892697-T-C. GRCh37 (hg19) VCF-style: chr9-135768084-T-C.
Other names: c.*3538A>G (NM_001162426.2, NM_001162427.2, NM_001362177.2).
Identifiers: ClinVar variation 365418 (VCV000365418.5), dbSNP rs533324867, ClinGen allele CA10632670.